The following is an entry in ClinVar:

ClinVar aggregate classification (germline): Likely benign. Review status: reviewed by expert panel (3 of 4 stars). 18 submissions from 18 submitters: Likely benign (1). 17 of the submissions do not count toward it. Last evaluated 2017-06-29.

Conditions:
BRCA2-related disorder. Also called: BRCA2-related condition; BRCA2-related disorders. Identifiers: MedGen CN239275.
Hereditary cancer-predisposing syndrome. Also called: Tumor predisposition; Hereditary neoplastic syndrome; Hereditary Cancer Syndrome; Neoplastic Syndromes, Hereditary. Identifiers: Orphanet 140162, MedGen C0027672, MeSH D009386, MONDO:0015356.
Hereditary breast ovarian cancer syndrome. Also called: Hereditary breast and ovarian cancer; Hereditary breast and/or ovarian cancer syndrome; BRCA1- and BRCA2-Associated Hereditary Breast and Ovarian Cancer; Hereditary breast and ovarian cancer syndrome (HBOC); Hereditary breast and ovarian cancer syndrome; Breast and ovarian cancer. Identifiers: Orphanet 145, MedGen C0677776, MeSH D061325, MONDO:0003582. Disease mechanism: loss of function.
Breast-ovarian cancer, familial, susceptibility to, 2 (BROVCA2). Also called: BRCA2 Hereditary Breast and Ovarian Cancer. Identifiers: Orphanet 145, MedGen C2675520, MONDO:0012933, OMIM 612555. Disease mechanism: loss of function.

Allele frequency attached by ClinVar (database versions not stated): gnomAD 0.00003 and 0.00004; TOPMed 0.00006.
gnomAD v4.1: 40 of 1,613,678 alleles (0.0025%); highest among the groups gnomAD compares: Admixed American, 0.0033%; no homozygotes.

Submissions (18):

Evidence-based Network for the Interpretation of Germline Mutant Alleles (ENIGMA)
Classification: Likely benign for Breast-ovarian cancer, familial, susceptibility to, 2. Last evaluated: 2017-06-29. Review status: reviewed by expert panel. Criteria: ENIGMA BRCA1/2 Classification Criteria (2017-06-29). Collection method: curation. Allele origin: germline.
Comment: Synonymous substitution variant, with low bioinformatic likelihood to result in a splicing aberration (Splicing prior probability 0.02).

CeGaT Center for Human Genetics Tuebingen
Classification: Likely benign. Last evaluated: 2026-06-01. Review status: criteria provided, single submitter. Criteria: CeGaT Center For Human Genetics Tuebingen Variant Classification Criteria Version 2. Collection method: clinical testing. Allele origin: germline. Affected: yes. Observed: 3 variant alleles. Not counted in ClinVar's aggregate classification.
Comment: BRCA2: BP4, BP7

Labcorp Genetics (formerly Invitae), Labcorp
Classification: Likely benign for Hereditary breast ovarian cancer syndrome. Last evaluated: 2026-01-13. Review status: criteria provided, single submitter. Criteria: Invitae Variant Classification Sherloc (09022015). Collection method: clinical testing. Allele origin: germline. Not counted in ClinVar's aggregate classification.

Quest Diagnostics Nichols Institute San Juan Capistrano
Classification: Likely benign. Last evaluated: 2025-01-09. Review status: criteria provided, single submitter. Criteria: Quest Diagnostics criteria. Collection method: clinical testing. Allele origin: unknown. Not counted in ClinVar's aggregate classification.

Blueprint Genetics
Classification: Likely benign. Last evaluated: 2024-08-15. Review status: criteria provided, single submitter. Criteria: ACMG Guidelines, 2015. Collection method: clinical testing. Allele origin: germline. Not counted in ClinVar's aggregate classification.

All of Us Research Program, National Institutes of Health
Classification: Likely benign for Breast-ovarian cancer, familial, susceptibility to, 2. Last evaluated: 2023-12-13. Review status: criteria provided, single submitter. Criteria: ACMG Guidelines, 2015. Collection method: clinical testing. Allele origin: germline. Inheritance: Autosomal dominant inheritance. Observed: 11 variant alleles, 11 heterozygotes. Not counted in ClinVar's aggregate classification.
Comment: This study involves interpretation of variants in research participants for the purpose of population health screening. Participant phenotype was not available at the time of variant classification. Additional details can be found in publication PMID: 35346344, PMCID: PMC8962531

ARUP Laboratories, Molecular Genetics and Genomics, ARUP Laboratories
Classification: Likely benign. Last evaluated: 2022-10-21. Review status: criteria provided, single submitter. Criteria: ARUP Molecular Germline Variant Investigation Process 2021. Collection method: clinical testing. Allele origin: germline. Not counted in ClinVar's aggregate classification.

Sema4
Classification: Likely benign for Hereditary cancer-predisposing syndrome. Last evaluated: 2022-03-04. Review status: criteria provided, single submitter. Criteria: Sema4 Curation Guidelines. Collection method: curation. Allele origin: germline. Not counted in ClinVar's aggregate classification.

Women's Health and Genetics/Laboratory Corporation of America, LabCorp
Classification: Likely benign. Last evaluated: 2018-12-12. Review status: criteria provided, single submitter. Criteria: LabCorp Variant Classification Summary - May 2015. Collection method: clinical testing. Allele origin: germline. Not counted in ClinVar's aggregate classification.
Comment: Variant summary: BRCA2 c.267G>A alters a non-conserved nucleotide resulting in a synonymous change. 5/5 computational tools predict no significant impact on normal splicing. However, these predictions have yet to be confirmed by functional studies. The variant allele was found at a frequency of 3.2e-05 in 277136 control chromosomes (gnomAD). The available data on variant occurrences in the general population are insufficient to allow any conclusion about variant significance. c.267G>A has been reported in the literature in individuals affected with Hereditary Breast and/or Ovarian Cancer without strong evidence for causality (Zuntini_2018, Borg_2010). Co-occurrences with other pathogenic variants have been reported in our internal and also, external databases (BRCA1 c.212+1G>A; BRCA2 c.5782G>T, p.Glu1928X), providing supporting evidence for a benign role. To our knowledge, no experimental evidence demonstrating an impact on protein function has been reported. Six ClinVar submissions from clinical diagnostic laboratories and reputable databases (evaluation after 2014) cite the variant as likely benign (5x) and once as uncertain significance. Based on the evidence outlined above, the variant was classified as likely benign.

Genetic Services Laboratory, University of Chicago
Classification: Likely benign. Last evaluated: 2018-05-17. Review status: criteria provided, single submitter. Criteria: ACMG Guidelines, 2015. Collection method: clinical testing. Allele origin: germline. Affected: no. Not counted in ClinVar's aggregate classification.

Color Diagnostics, LLC DBA Color Health
Classification: Likely benign for Hereditary cancer-predisposing syndrome. Last evaluated: 2015-03-31. Review status: criteria provided, single submitter. Criteria: ACMG Guidelines, 2015. Collection method: clinical testing. Allele origin: germline. Not counted in ClinVar's aggregate classification.

Ambry Genetics
Classification: Likely benign for Hereditary cancer-predisposing syndrome. Last evaluated: 2014-08-29. Review status: criteria provided, single submitter. Criteria: Ambry Variant Classification Scheme 2023. Collection method: clinical testing. Allele origin: germline. Not counted in ClinVar's aggregate classification.

GeneDx
Classification: Benign. Last evaluated: 2013-12-05. Review status: criteria provided, single submitter. Criteria: GeneDx Variant Classification (06012015). Collection method: clinical testing. Allele origin: germline. Affected: yes. Not counted in ClinVar's aggregate classification.
Comment: This variant is considered likely benign or benign based on one or more of the following criteria: it is a conservative change, it occurs at a poorly conserved position in the protein, it is predicted to be benign by multiple in silico algorithms, and/or has population frequency not consistent with disease.

PreventionGenetics, part of Exact Sciences
Classification: Likely benign for BRCA2-related condition. Last evaluated: 2019-09-09. Review status: no assertion criteria provided. Collection method: clinical testing. Allele origin: germline. Not counted in ClinVar's aggregate classification.
Comment: This variant is classified as likely benign based on ACMG/AMP sequence variant interpretation guidelines (Richards et al. 2015 PMID: 25741868, with internal and published modifications).

Counsyl
Classification: Likely benign for Breast-ovarian cancer, familial 2. Last evaluated: 2015-01-15. Review status: no assertion criteria provided. Collection method: literature only. Allele origin: unknown. Inheritance: Autosomal dominant inheritance. Not counted in ClinVar's aggregate classification.

Clinical Genetics DNA and cytogenetics Diagnostics Lab, Erasmus MC, Erasmus Medical Center
Classification: Likely benign. Review status: no assertion criteria provided. Collection method: clinical testing. Allele origin: germline. Affected: yes. Study: VKGL Data-share Consensus. Not counted in ClinVar's aggregate classification.

Department of Pathology and Laboratory Medicine, Sinai Health System
Classification: Benign. Review status: no assertion criteria provided. Collection method: clinical testing. Allele origin: unknown. Affected: yes. Study: The Canadian Open Genetics Repository (COGR). Not counted in ClinVar's aggregate classification.

Joint Genome Diagnostic Labs from Nijmegen and Maastricht, Radboudumc and MUMC+
Classification: Likely benign. Review status: no assertion criteria provided. Collection method: clinical testing. Allele origin: germline. Affected: yes. Study: VKGL Data-share Consensus. Not counted in ClinVar's aggregate classification.

Literature cited by the submitters: PubMed 20104584 (cited by Quest Diagnostics Nichols Institute San Juan Capistrano and Counsyl); PubMed 32467295 (cited by Quest Diagnostics Nichols Institute San Juan Capistrano); PubMed 30254663 (cited by Quest Diagnostics Nichols Institute San Juan Capistrano).

NM_000059.4(BRCA2):c.267G>A (p.Pro89=)

Gene: BRCA2 (BRCA2 DNA repair associated; plus strand). Cytogenetic location: 13q13.1.
Variant type: single nucleotide variant.
Coding change: c.267G>A on transcript NM_000059.4 (MANE Select); coding-DNA position 267, G replaced by A.
Protein change: p.Pro89=; no amino-acid change (proline 89 retained).
Molecular consequence: synonymous variant.
Genome position (GRCh38, 1-based): chr13:32,319,276, G>A. VCF-style: chr13-32319276-G-A. GRCh37 (hg19) VCF-style: chr13-32893413-G-A.
Other names: p.P89P:CCG>CCA.
Identifiers: ClinVar variation 135794 (VCV000135794.75), dbSNP rs587780648, ClinGen allele CA016033.